The following is an entry in ClinVar:

ClinVar aggregate classification (germline): Pathogenic. Review status: criteria provided, multiple submitters, no conflicts (2 of 4 stars). 5 submissions from 5 submitters: Pathogenic (5). Last evaluated 2024-08-28.

Conditions:
Dystonia 5 (DRD). Also called: DYSTONIA, PROGRESSIVE, WITH DIURNAL VARIATION; DYSTONIA-PARKINSONISM WITH DIURNAL FLUCTUATION; GTP Cyclohydrolase 1-Deficient Dopa-Responsive Dystonia; Dystonia, DOPA-responsive, with or without hyperphenylalaninemia; DYT-GCH1. Identifiers: Orphanet 98808, MedGen C1851920, MONDO:0007495, OMIM 128230.
GCH1-related disorder. Also called: GCH1-related condition.
GTP cyclohydrolase I deficiency. Identifiers: MedGen C0268467, MONDO:0100184.

Allele frequency attached by ClinVar (database versions not stated): gnomAD exomes below 0.00001.
gnomAD v4.1: 1 of 1,604,290 alleles (0.000062%); highest among the groups gnomAD compares: Non-Finnish European, 0.000085%; no homozygotes.

Submissions (5):

Labcorp Genetics (formerly Invitae), Labcorp
Classification: Pathogenic for GTP cyclohydrolase I deficiency; Dystonia 5. Last evaluated: 2024-08-28. Review status: criteria provided, single submitter. Criteria: Invitae Variant Classification Sherloc (09022015). Collection method: clinical testing. Allele origin: germline.
Comment: This sequence change replaces glycine, which is neutral and non-polar, with arginine, which is basic and polar, at codon 203 of the GCH1 protein (p.Gly203Arg). This variant is not present in population databases (gnomAD no frequency). This missense change has been observed in individual(s) with dystonia (PMID: 8852666, 11486899, 19332422, 20082337, 20108370, 20491893, 23211702). In at least one individual the variant was observed to be de novo. It has also been observed to segregate with disease in related individuals. ClinVar contains an entry for this variant (Variation ID: 381665). Invitae Evidence Modeling of protein sequence and biophysical properties (such as structural, functional, and spatial information, amino acid conservation, physicochemical variation, residue mobility, and thermodynamic stability) indicates that this missense variant is expected to disrupt GCH1 protein function with a positive predictive value of 80%. Experimental studies have shown that this missense change affects GCH1 function (PMID: 10984670). Algorithms developed to predict the effect of sequence changes on RNA splicing suggest that this variant may disrupt the consensus splice site. For these reasons, this variant has been classified as Pathogenic.

3billion
Classification: Pathogenic for Dystonia 5. Last evaluated: 2024-03-14. Review status: criteria provided, single submitter. Criteria: ACMG Guidelines, 2015. Collection method: clinical testing. Allele origin: germline. Affected: yes.
Comment: The variant is not observed in the gnomAD v2.1.1 dataset. Predicted Consequence/Location: Missense variant In silico tool predictions suggest damaging effect of the variant on gene or gene product [REVEL: 0.92 (>=0.6, sensitivity 0.68 and specificity 0.92); 3Cnet: 0.97 (>=0.6, sensitivity 0.72 and precision 0.9)]. Same nucleotide change resulting in same amino acid change has been previously reported as pathogenic/likely pathogenic with strong evidence (ClinVar ID: VCV000381665 /PMID: 8852666 /3billion dataset). The variant has been observed in multiple (>3) similarly affected unrelated individuals (PMID: 20108370, 23211702). Therefore, this variant is classified as Pathogenic according to the recommendation of ACMG/AMP guideline.

Blueprint Genetics
Classification: Pathogenic for GCH1-related disorders. Last evaluated: 2023-01-12. Review status: criteria provided, single submitter. Criteria: ACMG Guidelines, 2015. Collection method: clinical testing. Allele origin: germline. Affected: yes. Observed: 2 variant alleles.

GeneDx
Classification: Pathogenic. Last evaluated: 2021-03-16. Review status: criteria provided, single submitter. Criteria: GeneDx Variant Classification Process June 2021. Collection method: clinical testing. Allele origin: germline. Affected: yes.
Comment: Overexpression of the mutant enzyme in COS cells resulted in a enzyme activity less than 6% of controls, and co-expression of the mutant and wild type enzyme resulted in a reduction in enzyme activity attributed to an inactivation of the enzyme (Ueno et al., 2000); Not observed in large population cohorts (Lek et al., 2016); This variant is associated with the following publications: (PMID: 19332422, 8852666, 20491893, 16917893, 20108370, 20082337, 23211702, 24018121, 10984670, 11486899)

Institute of Human Genetics, University Hospital of Duesseldorf
Classification: Pathogenic for Dystonia 5. Review status: criteria provided, single submitter. Criteria: ACMG Guidelines, 2015. Collection method: not provided. Allele origin: germline. Inheritance: Autosomal dominant inheritance. Affected: yes.

Literature cited by the submitters: PubMed 8852666 (cited by Labcorp Genetics (formerly Invitae), Labcorp and 3billion); PubMed 11486899 (cited by Labcorp Genetics (formerly Invitae), Labcorp); PubMed 19332422 (cited by Labcorp Genetics (formerly Invitae), Labcorp); PubMed 20082337 (cited by Labcorp Genetics (formerly Invitae), Labcorp); PubMed 20108370 (cited by Labcorp Genetics (formerly Invitae), Labcorp and 3billion); PubMed 20491893 (cited by Labcorp Genetics (formerly Invitae), Labcorp); PubMed 23211702 (cited by Labcorp Genetics (formerly Invitae), Labcorp and 3billion); PubMed 10984670 (cited by Labcorp Genetics (formerly Invitae), Labcorp).

NM_000161.3(GCH1):c.607G>A (p.Gly203Arg)

Gene: GCH1 (GTP cyclohydrolase 1; minus strand). Cytogenetic location: 14q22.2.
Variant type: single nucleotide variant.
Coding change: c.607G>A on transcript NM_000161.3 (MANE Select); coding-DNA position 607, G replaced by A.
Protein change: p.Gly203Arg; replaces glycine 203 with arginine.
Molecular consequence: missense variant.
Genome position (GRCh38, 1-based): chr14:54,845,787, C>T on the plus strand (G>A on the coding strand, the complement: GCH1 is on the minus strand). VCF-style: chr14-54845787-C-T. GRCh37 (hg19) VCF-style: chr14-55312505-C-T.
Other names: c.607G>A, p.Gly203Arg (NM_001024024.2, NM_001024070.2, NM_001024071.2); short protein forms G203R.
Identifiers: ClinVar variation 381665 (VCV000381665.14), dbSNP rs988395114, ClinGen allele CA16606864.